The following is an entry in ClinVar:

ClinVar aggregate classification (germline): Uncertain significance (1 of 4 stars; one submission).

Conditions:
Anauxetic dysplasia. Identifiers: Orphanet 93347, MedGen C1846796, MONDO:0011773.

gnomAD v4.1: 2 of 700,432 alleles (0.00029%); highest among the groups gnomAD compares: East Asian, 0.0027%; no homozygotes.

Submission:

Labcorp Genetics (formerly Invitae), Labcorp
Classification: Uncertain significance for Anauxetic dysplasia. Last evaluated: 2022-08-23. Review status: criteria provided, single submitter. Criteria: Invitae Variant Classification Sherloc (09022015). Collection method: clinical testing. Allele origin: germline.
Comment: This variant occurs in the RMRP gene, which encodes an RNA molecule that does not result in a protein product. In summary, the available evidence is currently insufficient to determine the role of this variant in disease. Therefore, it has been classified as a Variant of Uncertain Significance. Experimental studies and prediction algorithms are not available or were not evaluated, and the functional significance of this variant is currently unknown. ClinVar contains an entry for this variant (Variation ID: 1370263). This variant has not been reported in the literature in individuals affected with RMRP-related conditions. This variant is not present in population databases (gnomAD no frequency).

NC_000009.12:g.35657950C>T

Gene: RMRP (RNA component of mitochondrial RNA processing endoribonuclease; minus strand). Cytogenetic location: 9p13.3.
Variant type: single nucleotide variant.
Genome position: GRCh38 VCF-style: chr9-35657950-C-T. GRCh37 (hg19) VCF-style: chr9-35657947-C-T.
Identifiers: ClinVar variation 1370263 (VCV001370263.6), dbSNP rs1823622604, ClinGen allele CA464450880.